The following is an entry in ClinVar:

NM_000448.3(RAG1):c.*2246T>C

Gene: RAG1 (recombination activating 1; plus strand). Cytogenetic location: 11p12.
Variant type: single nucleotide variant.
Coding change: c.*2246T>C on transcript NM_000448.3 (MANE Select); 2246 bases downstream of the stop codon, T replaced by C.
Molecular consequence: 3 prime UTR variant.
Genome position (GRCh38, 1-based): chr11:36,578,682, T>C. VCF-style: chr11-36578682-T-C. GRCh37 (hg19) VCF-style: chr11-36600232-T-C.
Other names: c.*2246T>C (NM_001377277.1, NM_001377278.1, NM_001377279.1 and 1 more transcripts).
Identifiers: ClinVar variation 304529 (VCV000304529.6), dbSNP rs4151045, ClinGen allele CA10639018.
Genomic context (GRCh38, chr11:36,578,682, plus strand): 5'-ATGTGACTAAGAGCATGATTTATAGCACAACCTTTCCAATAATCCCTTAATCAGATCACA[T>C]TTTGATAAACCCTGGGAACATCTGGCTGCAGGAATTTCAATATGTAGAAACGCTGCCTAT-3'

ClinVar aggregate classification (germline): Benign. Review status: criteria provided, multiple submitters, no conflicts (2 of 4 stars). 3 submissions from 2 submitters: Benign (3). Last evaluated 2018-01-13.

Conditions:
Histiocytic medullary reticulosis. Also called: SEVERE COMBINED IMMUNODEFICIENCY WITH HYPEREOSINOPHILIA; Omenn syndrome. Identifiers: Orphanet 39041, MedGen C2700553, MONDO:0011338, OMIM 603554.
Severe combined immunodeficiency, autosomal recessive, T cell-negative, B cell-negative, NK cell-positive. Also called: SCID, T CELL-NEGATIVE, B CELL-NEGATIVE, NK CELL-POSITIVE; SCID, AR, T-cell negative, B-cell negative, NK cell-positive; Severe combined immunodeficiency due to complete RAG1/2 deficiency. Identifiers: Orphanet 331206, MedGen C1832322, MONDO:0011086, OMIM 601457.

Allele frequency attached by ClinVar (database versions not stated): gnomAD exomes 0.06165; 1000 Genomes Project 30x 0.06230; 1000 Genomes Project 0.06330; gnomAD 0.07480 and 0.07666; TOPMed 0.07568.
gnomAD v4.1: 12,384 of 167,172 alleles (7.4%); highest among the groups gnomAD compares: Middle Eastern, 8.1%; 507 homozygotes.

Submissions (3):

Illumina Laboratory Services, Illumina
Classification: Benign for Histiocytic medullary reticulosis. Last evaluated: 2018-01-13. Review status: criteria provided, single submitter. Criteria: ICSL Variant Classification Criteria 13 December 2019. Collection method: clinical testing. Allele origin: germline.
Comment: This variant was observed in the ICSL laboratory as part of a predisposition screen in an ostensibly healthy population. It had not been previously curated by ICSL or reported in the Human Gene Mutation Database (HGMD: prior to June 1st, 2018), and was therefore a candidate for classification through an automated scoring system. Utilizing variant allele frequency, disease prevalence and penetrance estimates, and inheritance mode, an automated score was calculated to assess if this variant is too frequent to cause the disease. Based on the score and internal cut-off values, a variant classified as benign is not then subjected to further curation. The score for this variant resulted in a classification of benign for this disease.

Illumina Laboratory Services, Illumina
Classification: Benign for Severe combined immunodeficiency, autosomal recessive, T cell-negative, B cell-negative, NK cell-positive. Last evaluated: 2018-01-13. Review status: criteria provided, single submitter. Criteria: ICSL Variant Classification Criteria 13 December 2019. Collection method: clinical testing. Allele origin: germline.
Comment: the same text as in the submission from Illumina Laboratory Services, Illumina above.

Breakthrough Genomics
Classification: Benign. Review status: criteria provided, single submitter. Criteria: ACMG Guidelines, 2015. Collection method: not provided. Allele origin: germline. Inheritance: Autosomal recessive inheritance. Affected: yes.